The following is an entry in ClinVar:

ClinVar aggregate classification (germline): Likely benign. Review status: criteria provided, multiple submitters, no conflicts (2 of 4 stars). 2 submissions from 2 submitters: Likely benign (2). Last evaluated 2024-12-01.

Conditions:
Progressive myoclonic epilepsy type 9. Identifiers: Orphanet 457265, MedGen C4225289, MONDO:0014685, OMIM 616540.
Lipodystrophy, partial, acquired, susceptibility to (APLD). Also called: APLD, SUSCEPTIBILITY TO. Identifiers: MedGen C3887501, MONDO:0100476, OMIM 608709.

Allele frequency attached by ClinVar (database versions not stated): gnomAD exomes 0.00005 and 0.00004; ExAC 0.00008; ESP Exome Variant Server 0.00015; gnomAD 0.00025 and 0.00005; TOPMed 0.00039.

Submissions (2):

CeGaT Center for Human Genetics Tuebingen
Classification: Likely benign. Last evaluated: 2024-12-01. Review status: criteria provided, single submitter. Criteria: CeGaT Center For Human Genetics Tuebingen Variant Classification Criteria Version 2. Collection method: clinical testing. Allele origin: germline. Affected: yes. Observed: 1 variant allele.
Comment: LMNB2: BP4, BP7

Labcorp Genetics (formerly Invitae), Labcorp
Classification: Likely benign for Progressive myoclonic epilepsy type 9; Lipodystrophy, partial, acquired, susceptibility to. Last evaluated: 2024-07-01. Review status: criteria provided, single submitter. Criteria: Invitae Variant Classification Sherloc (09022015). Collection method: clinical testing. Allele origin: germline.

NM_032737.4(LMNB2):c.906G>A (p.Ala302=)

Gene: LMNB2 (lamin B2; minus strand). Cytogenetic location: 19p13.3.
Variant type: single nucleotide variant.
Coding change: c.906G>A on transcript NM_032737.4 (MANE Select); coding-DNA position 906, G replaced by A.
Protein change: p.Ala302=; no amino-acid change (alanine 302 retained).
Molecular consequence: synonymous variant.
Genome position (GRCh38, 1-based): chr19:2,434,863, C>T on the plus strand (G>A on the coding strand, the complement: LMNB2 is on the minus strand). VCF-style: chr19-2434863-C-T. GRCh37 (hg19) VCF-style: chr19-2434861-C-T.
Identifiers: ClinVar variation 542442 (VCV000542442.25), dbSNP rs144417417, ClinGen allele CA9067686.
Genomic context (GRCh38, chr19:2,434,863, plus strand): 5'-GGAGAGCTGGTAGCTGAGGGACTCCAGGCGCATGCGGGCCTCCTTCAGCTCCTCGCGAGC[C>T]GCACTGGCCGCCTTGTCGTTCTGGTCAGAGCTCAGCTTGGCGCTGTCCAGCTGTGGGGAG-3'
Protein context (NP_116126.3, residues 292-312): SSDQNDKAAS[Ala302=]AREELKEARM